The following is an entry in ClinVar:

NM_016239.4(MYO15A):c.9676dup (p.Ile3226fs)

Gene: MYO15A (myosin XVA; plus strand). Cytogenetic location: 17p11.2.
Variant type: Duplication.
Coding change: c.9676dup on transcript NM_016239.4 (MANE Select); coding-DNA position 9676, one base duplicated (A; older notation c.9676dupA).
Protein change: p.Ile3226fs; shifts the reading frame from isoleucine 3226.
Molecular consequence: frameshift variant.
Genome position (GRCh38, 1-based): chr17:18,163,307, A duplicated; the last of 4 consecutive A bases (chr17:18,163,304-18,163,307); duplicating any one gives the same sequence. VCF-style (leftmost placement, unchanged base first): chr17-18163303-C-CA. GRCh37 (hg19) VCF-style: chr17-18066617-C-CA.
Other names: short protein forms I3226fs.
Identifiers: ClinVar variation 2843752 (VCV002843752.3), dbSNP rs2046802842, ClinGen allele CA2250882698.
Genomic context (GRCh38, chr17:18,163,303, plus strand): 5'-GGCAGGCCGCAGTTCCAAGAGGCAACTCTTTCTTCTTCCTGGAGGCCTTGAACGCCATCT[C>CA]AAAATCAAAACATGCACTGTAAGTGAAGAAATGTCTCCTGCAGCCAGGTACTGGAGGGGC-3'

ClinVar aggregate classification (germline): Pathogenic (1 of 4 stars; one submission).

Submission:

Labcorp Genetics (formerly Invitae), Labcorp
Classification: Pathogenic. Last evaluated: 2023-10-18. Review status: criteria provided, single submitter. Criteria: Invitae Variant Classification Sherloc (09022015). Collection method: clinical testing. Allele origin: germline.
Comment: This sequence change creates a premature translational stop signal (p.Ile3226Asnfs*17) in the MYO15A gene. It is expected to result in an absent or disrupted protein product. Loss-of-function variants in MYO15A are known to be pathogenic (PMID: 17546645). This variant is not present in population databases (gnomAD no frequency). This variant has not been reported in the literature in individuals affected with MYO15A-related conditions. For these reasons, this variant has been classified as Pathogenic.

Literature cited by the submitters: PubMed 17546645.